The following is an entry in ClinVar:

ClinVar aggregate classification (germline): Likely pathogenic. Review status: criteria provided, multiple submitters, no conflicts (2 of 4 stars). 5 submissions from 4 submitters: Likely pathogenic (2). 3 of the submissions do not count toward it. Last evaluated 2024-02-20.

Conditions:
Contractures, pterygia, and spondylocarpotarsal fusion syndrome 1A (CPSFS1A). Also called: Distal arthrogryposis type 8; MULTIPLE PTERYGIUM SYNDROME, AUTOSOMAL DOMINANT; Contractures, pterygia, and variable skeletal fusions syndrome 1A. Identifiers: Orphanet 65743, MedGen C1867440, MONDO:0008338, OMIM 178110.
Spondylocarpotarsal synostosis syndrome (SCT). Also called: Synspondylism congenital; Scoliosis, congenital with unilateral unsegmented bar; SPONDYLOCARPOTARSAL SYNDROME; VERTEBRAL FUSION WITH CARPAL COALITION; Spondylocarpotarsal Synostosis Syndrome (FLNB-SCT). Identifiers: Orphanet 3275, MedGen C1848934, MONDO:0010094, OMIM 272460.

Submissions (5):

Clinical Genomics Laboratory, Washington University in St. Louis
Classification: Likely pathogenic for Contractures, pterygia, and spondylocarpotarsal fusion syndrome 1A. Last evaluated: 2024-02-20. Review status: criteria provided, single submitter. Criteria: ACMG Guidelines, 2015. Collection method: clinical testing. Allele origin: germline. Affected: yes.
Comment: The MYH3 c.727_729del (p.Ser243del) variant has been reported in at least two unrelated individuals with contractures, pterygia, and spondylocarpotarsal fusion syndrome-1A and is reported to segregate with disease in three individuals in one family (Chong JX et al., PMID: 25957469; Zieba J et al., PMID: 28205585). This variant is absent from the general population (gnomAD v.2.1.1), indicating it is not a common variant. This variant is predicted to cause a change in the length of the protein due to an in-frame deletion of a serine residue in a non-repeat region. This variant has been reported in the ClinVar database as a germline pathogenic or likely pathogenic variant by three submitters. Based on available information and the ACMG/AMP guidelines for variant interpretation (Richards S et al., PMID: 25741868), this variant is classified as likely pathogenic.

GeneDx
Classification: Likely pathogenic. Last evaluated: 2016-10-13. Review status: criteria provided, single submitter. Criteria: GeneDx Variant Classification (06012015). Collection method: clinical testing. Allele origin: germline. Affected: yes.
Comment: The c.727_729delTCC variant in the MYH3 gene has been reported previously segregating in a family with distal arthrogryposis type 8 (Chong et al., 2015). The c.727_729delTCC variant causes an in-frame deletion of one amnio acid, Serine 243, denoted p.Ser243del. The c.727_729delTCC variant was not observed in approximately 6,500 individuals of European and African American ancestry in the NHLBI Exome Sequencing Project, indicating it is not a common benign variant in these populations. We interpret c.727_729delTCC as a likely pathogenic variant.

University of Washington Center for Mendelian Genomics, University of Washington
Classification: Likely pathogenic for Spondylocarpotarsal synostosis. Last evaluated: 2017-02-16. Review status: no assertion criteria provided. Collection method: research. Allele origin: unknown. Affected: yes. Observed: 1 compound heterozygote. Not counted in ClinVar's aggregate classification.

University of Washington Center for Mendelian Genomics, University of Washington
Classification: Pathogenic for Contractures, pterygia, and spondylocarpotarsal fusion syndrome 1A. Last evaluated: 2015-05-19. Review status: no assertion criteria provided. Collection method: research. Allele origin: inherited. Affected: yes. Not counted in ClinVar's aggregate classification.

OMIM
Classification: Pathogenic for CONTRACTURES, PTERYGIA, AND SPONDYLOCARPOTARSAL FUSION SYNDROME 1A. Last evaluated: 2015-05-07. Review status: no assertion criteria provided. Collection method: literature only. Allele origin: germline. Not counted in ClinVar's aggregate classification.

Literature cited by the submitters: PubMed 25957469 (cited by University of Washington Center for Mendelian Genomics, University of Washington and OMIM); PubMed 28205584 (cited by OMIM).

NM_002470.4(MYH3):c.724TCC[1] (p.Ser243del)

Gene: MYH3 (myosin heavy chain 3; minus strand). Cytogenetic location: 17p13.1.
Variant type: Microsatellite.
Coding change: c.724TCC[1] on transcript NM_002470.4 (MANE Select); one copy of the 3-base unit TCC starting at c.724; the reference has two copies in a row; one copy, 3 bases deleted; also written c.727_729del.
Protein change: p.Ser243del; deletes serine 243.
Molecular consequence: inframe deletion.
Genome position (GRCh38, 1-based): chr17:10,648,563-10,648,565, GGA deleted on the plus strand (TCC on the coding strand, the reverse complement: MYH3 is on the minus strand); deleting any 3 consecutive bases within chr17:10,648,563-10,648,569 gives the same sequence; the position shown is the placement nearest the transcript's 3' end. VCF-style (leftmost placement, unchanged base first): chr17-10648562-GGGA-G. GRCh37 (hg19) VCF-style: chr17-10551879-GGGA-G.
Other names: c.727_729del (NM_002470.4); short protein forms S243del.
Identifiers: ClinVar variation 203472 (VCV000203472.5), dbSNP rs1555527166, ClinGen allele CA358703.